The following is an entry in ClinVar:

NM_003803.4(MYOM1):c.1618C>A (p.Pro540Thr)

Gene: MYOM1 (myomesin 1; minus strand). Cytogenetic location: 18p11.31.
Variant type: single nucleotide variant.
Coding change: c.1618C>A on transcript NM_003803.4 (MANE Select); coding-DNA position 1618, C replaced by A.
Protein change: p.Pro540Thr; replaces proline 540 with threonine.
Molecular consequence: missense variant.
Genome position (GRCh38, 1-based): chr18:3,154,972, G>T on the plus strand (C>A on the coding strand, the complement: MYOM1 is on the minus strand). VCF-style: chr18-3154972-G-T. GRCh37 (hg19) VCF-style: chr18-3154970-G-T.
Other names: c.1618C>A, p.Pro540Thr (NM_019856.2); short protein forms P540T.
Identifiers: ClinVar variation 4782054 (VCV004782054.1).
Genomic context (GRCh38, chr18:3,154,972, plus strand): 5'-AAATAACTGTAATTGATGTTAGCCTAAGCACTAACTTATCAATAAAATATCCGAGAATAG[G>T]ACTCCCTCCATCGACAGCTGGCTGTTTCCAGGAGATGATGATATAATCTTTGTTGGCCTC-3'
Protein context (NP_003794.3, residues 530-550): WKQPAVDGGS[Pro540Thr]ILGYFIDKCE

ClinVar aggregate classification (germline): Uncertain significance (1 of 4 stars; one submission).

Conditions:
Hypertrophic cardiomyopathy. Also called: HYPERTROPHIC MYOCARDIOPATHY. Identifiers: Orphanet 217569, MedGen C0007194, MeSH D002312, MONDO:0005045, HP:0001639.

Submission:

Labcorp Genetics (formerly Invitae), Labcorp
Classification: Uncertain significance for Hypertrophic cardiomyopathy. Last evaluated: 2025-08-16. Review status: criteria provided, single submitter. Criteria: Invitae Variant Classification Sherloc (09022015). Collection method: clinical testing. Allele origin: germline.
Comment: This sequence change replaces proline, which is neutral and non-polar, with threonine, which is neutral and polar, at codon 540 of the MYOM1 protein (p.Pro540Thr). This variant is not present in population databases (gnomAD no frequency). This variant has not been reported in the literature in individuals affected with MYOM1-related conditions. Invitae Evidence Modeling of protein sequence and biophysical properties (such as structural, functional, and spatial information, amino acid conservation, physicochemical variation, residue mobility, and thermodynamic stability) indicates that this missense variant is not expected to disrupt MYOM1 protein function with a negative predictive value of 80%. In summary, the available evidence is currently insufficient to determine the role of this variant in disease. Therefore, it has been classified as a Variant of Uncertain Significance.